The following is an entry in ClinVar:

NM_000238.4(KCNH2):c.*17G>C

Gene: KCNH2 (potassium voltage-gated channel subfamily H member 2; minus strand). Cytogenetic location: 7q36.1.
Variant type: single nucleotide variant.
Coding change: c.*17G>C on transcript NM_000238.4 (MANE Select); 17 bases downstream of the stop codon, G replaced by C.
Molecular consequence: 3 prime UTR variant.
Genome position (GRCh38, 1-based): chr7:150,945,348, C>G on the plus strand (G>C on the coding strand, the complement: KCNH2 is on the minus strand). VCF-style: chr7-150945348-C-G. GRCh37 (hg19) VCF-style: chr7-150642436-C-G.
Other names: c.*17G>C (NM_172057.3).
Identifiers: ClinVar variation 386840 (VCV000386840.2), dbSNP rs1057522616, ClinGen allele CA16605722.
Genomic context (GRCh38, chr7:150,945,348, plus strand): 5'-AGCAGGGCCTCCAAGGGGAGCGGCCCAGCAGCGCCTTGATCCCTGGGTGAGCCACGTGTC[C>G]ACACTGGGCAGCCCCACTAACTGCCCGGGTCCGAGCCGTGTCTGTGCAGGGGCTGGGAGG-3'

ClinVar aggregate classification (germline): Likely benign (1 of 4 stars; one submission).

Submission:

GeneDx
Classification: Likely benign. Last evaluated: 2016-06-09. Review status: criteria provided, single submitter. Criteria: GeneDx Variant Classification (06012015). Collection method: clinical testing. Allele origin: germline. Affected: yes.
Comment: This variant is considered likely benign or benign based on one or more of the following criteria: it is a conservative change, it occurs at a poorly conserved position in the protein, it is predicted to be benign by multiple in silico algorithms, and/or has population frequency not consistent with disease.